The following is an entry in ClinVar:

NM_004525.3(LRP2):c.9845+5G>A

Gene: LRP2 (LDL receptor related protein 2; minus strand). Cytogenetic location: 2q31.1.
Variant type: single nucleotide variant.
Coding change: c.9845+5G>A on transcript NM_004525.3 (MANE Select); 5 bases into the intron after coding-DNA position 9845, G replaced by A.
Molecular consequence: intron variant.
Genome position (GRCh38, 1-based): chr2:169,185,498, C>T on the plus strand (G>A on the coding strand, the complement: LRP2 is on the minus strand). VCF-style: chr2-169185498-C-T. GRCh37 (hg19) VCF-style: chr2-170042008-C-T.
Identifiers: ClinVar variation 332108 (VCV000332108.10), dbSNP rs563916043, ClinGen allele CA1953513.

ClinVar aggregate classification (germline): Uncertain significance. Review status: criteria provided, multiple submitters, no conflicts (2 of 4 stars). 3 submissions from 3 submitters: Uncertain significance (3). Last evaluated 2023-12-20.

Conditions:
Donnai-Barrow syndrome. Also called: DBS/FOAR SYNDROME; FACIOOCULOACOUSTICORENAL SYNDROME. Identifiers: Orphanet 2143, MedGen C1857277, MONDO:0009104, OMIM 222448.

Allele frequency attached by ClinVar (database versions not stated): gnomAD below 0.00001 and 0.00003; gnomAD exomes 0.00003 and 0.00011; TOPMed 0.00006; ExAC 0.00008; 1000 Genomes Project 30x 0.00016; 1000 Genomes Project 0.00020.
gnomAD v4.1: 50 of 1,612,918 alleles (0.0031%); highest among the groups gnomAD compares: East Asian, 0.071%; no homozygotes.

Submissions (3):

Blueprint Genetics
Classification: Uncertain significance. Last evaluated: 2023-12-20. Review status: criteria provided, single submitter. Criteria: ACMG Guidelines, 2015. Collection method: clinical testing. Allele origin: germline.

Labcorp Genetics (formerly Invitae), Labcorp
Classification: Uncertain significance. Last evaluated: 2022-08-23. Review status: criteria provided, single submitter. Criteria: Invitae Variant Classification Sherloc (09022015). Collection method: clinical testing. Allele origin: germline.
Comment: This sequence change falls in intron 50 of the LRP2 gene. It does not directly change the encoded amino acid sequence of the LRP2 protein. It affects a nucleotide within the consensus splice site. This variant is present in population databases (rs563916043, gnomAD 0.1%). This variant has not been reported in the literature in individuals affected with LRP2-related conditions. ClinVar contains an entry for this variant (Variation ID: 332108). Variants that disrupt the consensus splice site are a relatively common cause of aberrant splicing (PMID: 17576681, 9536098). Algorithms developed to predict the effect of sequence changes on RNA splicing suggest that this variant is not likely to affect RNA splicing. In summary, the available evidence is currently insufficient to determine the role of this variant in disease. Therefore, it has been classified as a Variant of Uncertain Significance.

Illumina Laboratory Services, Illumina
Classification: Uncertain significance for Donnai-Barrow syndrome. Last evaluated: 2018-01-13. Review status: criteria provided, single submitter. Criteria: ICSL Variant Classification Criteria 13 December 2019. Collection method: clinical testing. Allele origin: germline.

Literature cited by the submitters: PubMed 17576681 (cited by Labcorp Genetics (formerly Invitae), Labcorp); PubMed 9536098 (cited by Labcorp Genetics (formerly Invitae), Labcorp).